The following is an entry in ClinVar:

NM_000368.5(TSC1):c.1580A>G (p.Gln527Arg)

Gene: TSC1 (TSC complex subunit 1; minus strand). Cytogenetic location: 9q34.13.
Variant type: single nucleotide variant.
Coding change: c.1580A>G on transcript NM_000368.5 (MANE Select); coding-DNA position 1580, A replaced by G.
Protein change: p.Gln527Arg; replaces glutamine 527 with arginine.
Molecular consequence: missense variant.
Genome position (GRCh38, 1-based): chr9:132,905,998, T>C on the plus strand (A>G on the coding strand, the complement: TSC1 is on the minus strand). VCF-style: chr9-132905998-T-C. GRCh37 (hg19) VCF-style: chr9-135781385-T-C.
Other names: c.1577A>G, p.Gln526Arg (NM_001162426.2); c.1427A>G, p.Gln476Arg (NM_001162427.2); c.1217A>G, p.Gln406Arg (NM_001362177.2); short protein forms Q527R, Q476R, Q526R, Q406R.
Identifiers: ClinVar variation 184443 (VCV000184443.22), dbSNP rs767708806, ClinGen allele CA005092.
Genomic context (GRCh38, chr9:132,905,998, plus strand): 5'-GTGTCAGGCCCAAGCTTGTCCAGGGAGGAGTGTAAAGGCTCAGGGTTCACGCTGGCGCCC[T>C]GAGAACTGGAGGCTGCCGAGTGGGTCTTCCGCTGAGAACCTGGGAGACTGTCTCGGTAAA-3'
Protein context (NP_000359.1, residues 517-537): RKTHSAASSS[Gln527Arg]GASVNPEPLH

ClinVar aggregate classification (germline): Conflicting classifications of pathogenicity. Review status: criteria provided, conflicting classifications (1 of 4 stars). 6 submissions from 6 submitters: Uncertain significance (2); Benign (1); Likely benign (3). Last evaluated 2026-01-06.

Conditions:
Tuberous sclerosis 1 (TSC1). Identifiers: Orphanet 805, MedGen C1854465, MONDO:0008612, OMIM 191100.
Hereditary cancer-predisposing syndrome. Also called: Tumor predisposition; Hereditary Cancer Syndrome; Hereditary neoplastic syndrome; Neoplastic Syndromes, Hereditary. Identifiers: Orphanet 140162, MedGen C0027672, MeSH D009386, MONDO:0015356.
Lymphangiomyomatosis (LAM). Also called: Lymphangioleiomyomatosis; Lymphangioleiomyomatosis, somatic. Identifiers: Orphanet 538, MedGen C0751674, MONDO:0011705, OMIM 606690.
Isolated focal cortical dysplasia type II (FCORD2). Also called: Focal cortical dysplasia type II; CORTICAL DYSPLASIA OF TAYLOR. Identifiers: Orphanet 268994, MedGen C1846385, MONDO:0011818, OMIM 607341, HP:0032051.
Tuberous sclerosis syndrome (TSC). Also called: Tuberous Sclerosis Complex; Tuberous sclerosis. Identifiers: Orphanet 805, MedGen C0041341, MONDO:0001734.

Allele frequency attached by ClinVar (database versions not stated): ExAC 0.00001; gnomAD 0.00001; gnomAD exomes 0.00001; TOPMed 0.00001.
gnomAD v4.1: 19 of 1,613,774 alleles (0.0012%); highest among the groups gnomAD compares: Non-Finnish European, 0.0016%; no homozygotes.

Submissions (6):

Labcorp Genetics (formerly Invitae), Labcorp
Classification: Benign for Tuberous sclerosis 1. Last evaluated: 2026-01-06. Review status: criteria provided, single submitter. Criteria: Invitae Variant Classification Sherloc (09022015). Collection method: clinical testing. Allele origin: germline.

Molecular Pathology, Peter Maccallum Cancer Centre
Classification: Uncertain significance for Tuberous sclerosis 1. Last evaluated: 2025-03-26. Review status: criteria provided, single submitter. Criteria: ACMG Guidelines, 2015. Collection method: clinical testing. Allele origin: germline. Inheritance: Autosomal dominant inheritance.

Fulgent Genetics
Classification: Likely benign for Tuberous sclerosis 1; Lymphangiomyomatosis; Isolated focal cortical dysplasia type II. Last evaluated: 2024-06-15. Review status: criteria provided, single submitter. Criteria: ACMG Guidelines, 2015. Collection method: clinical testing. Allele origin: germline.

All of Us Research Program, National Institutes of Health
Classification: Uncertain significance for Tuberous sclerosis syndrome. Last evaluated: 2024-05-14. Review status: criteria provided, single submitter. Criteria: ACMG Guidelines, 2015. Collection method: clinical testing. Allele origin: germline. Inheritance: Autosomal dominant inheritance. Observed: 5 variant alleles, 5 heterozygotes.
Comment: This missense variant replaces glutamine with arginine at codon 527 of the TSC1 protein. Computational prediction suggests that this variant may not impact protein structure and function (internally defined REVEL score threshold <= 0.5, PMID: 27666373). To our knowledge, functional studies have not been reported for this variant. This variant has not been reported in individuals affected with tuberous sclerosis complex in the literature. This variant has been identified in 3/251332 chromosomes in the general population by the Genome Aggregation Database (gnomAD). The available evidence is insufficient to determine the role of this variant in disease conclusively. Therefore, this variant is classified as a Variant of Uncertain Significance.

This study involves interpretation of variants in research participants for the purpose of population health screening. Participant phenotype was not available at the time of variant classification. Additional details can be found in publication PMID: 35346344, PMCID: PMC8962531

Genome-Nilou Lab
Classification: Likely benign for Tuberous sclerosis 1. Last evaluated: 2021-11-07. Review status: criteria provided, single submitter. Criteria: ACMG Guidelines, 2015. Collection method: clinical testing. Allele origin: germline. Affected: no.

Ambry Genetics
Classification: Likely benign for Hereditary cancer-predisposing syndrome. Last evaluated: 2021-07-02. Review status: criteria provided, single submitter. Criteria: Ambry Variant Classification Scheme 2023. Collection method: clinical testing. Allele origin: germline.

Literature cited by the submitters: PubMed 22558107 (cited by Ambry Genetics).